The following is an entry in ClinVar:

NM_001903.5(CTNNA1):c.210G>A (p.Glu70=)

Gene: CTNNA1 (catenin alpha 1; plus strand). Cytogenetic location: 5q31.2.
Variant type: single nucleotide variant.
Coding change: c.210G>A on transcript NM_001903.5 (MANE Select); coding-DNA position 210, G replaced by A.
Protein change: p.Glu70=; no amino-acid change (glutamic acid 70 retained).
Molecular consequence: synonymous variant. On other transcripts: intron variant (2).
Genome position (GRCh38, 1-based): chr5:138,783,281, G>A. VCF-style: chr5-138783281-G-A. GRCh37 (hg19) VCF-style: chr5-138118970-G-A.
Other names: c.210G>A, p.Glu70= (NM_001290307.3, NM_001323982.2, NM_001323983.1 and 3 more transcripts); c.-6+9G>A (NM_001290310.3); c.-9+1252G>A (NM_001290309.3).
Identifiers: ClinVar variation 1786072 (VCV001786072.3), dbSNP rs1369673536, ClinGen allele CA446725125.
Genomic context (GRCh38, chr5:138,783,281, plus strand): 5'-GAAGAGAGGTCGTTCTAAGAAGGCCCATGTTTTGGCTGCATCTGTTGAACAAGCAACTGA[G>A]AATTTCTTGGAGAAGGGGGATAAAATTGCGAAGGAGAGCCAGTTTCTCAAGGAGGAGCTT-3'
Protein context (NP_001894.2, residues 60-80): VLAASVEQAT[Glu70=]NFLEKGDKIA

ClinVar aggregate classification (germline): Benign/Likely benign. Review status: criteria provided, multiple submitters, no conflicts (2 of 4 stars). 2 submissions from 2 submitters: Benign (1); Likely benign (1). Last evaluated 2024-10-09.

Conditions:
Hereditary cancer-predisposing syndrome. Also called: Tumor predisposition; Neoplastic Syndromes, Hereditary; Hereditary Cancer Syndrome; Hereditary neoplastic syndrome. Identifiers: Orphanet 140162, MedGen C0027672, MeSH D009386, MONDO:0015356.
Hereditary diffuse gastric adenocarcinoma (HDGC). Also called: DIFFUSE GASTRIC AND LOBULAR BREAST CANCER SYNDROME. Identifiers: Orphanet 26106, MedGen C1708349, MONDO:0007648, OMIM 137215.

Allele frequency attached by ClinVar (database versions not stated): gnomAD exomes below 0.00001.
gnomAD v4.1: 4 of 1,614,136 alleles (0.00025%); highest among the groups gnomAD compares: South Asian, 0.0044%; no homozygotes.

Submissions (2):

Myriad Genetics, Inc.
Classification: Benign for Hereditary diffuse gastric adenocarcinoma. Last evaluated: 2024-10-09. Review status: criteria provided, single submitter. Criteria: Myriad Autosomal Dominant, Autosomal Recessive and X-Linked Classification Criteria (2023). Collection method: clinical testing. Allele origin: unknown.
Comment: This variant is considered benign. This variant is a silent/synonymous amino acid change and it is not expected to impact splicing.

Ambry Genetics
Classification: Likely benign for Hereditary cancer-predisposing syndrome. Last evaluated: 2021-03-18. Review status: criteria provided, single submitter. Criteria: Ambry Variant Classification Scheme 2023. Collection method: clinical testing. Allele origin: germline.